The following is an entry in ClinVar:

NM_020163.3(SEMA3G):c.1940G>A (p.Arg647His)

Gene: SEMA3G (semaphorin 3G; minus strand). Cytogenetic location: 3p21.1.
Variant type: single nucleotide variant.
Coding change: c.1940G>A on transcript NM_020163.3 (MANE Select); coding-DNA position 1940, G replaced by A.
Protein change: p.Arg647His; replaces arginine 647 with histidine.
Molecular consequence: missense variant.
Genome position (GRCh38, 1-based): chr3:52,436,012, C>T on the plus strand (G>A on the coding strand, the complement: SEMA3G is on the minus strand). VCF-style: chr3-52436012-C-T. GRCh37 (hg19) VCF-style: chr3-52470028-C-T.
Other names: c.1940G>A (NM_020163.2); short protein forms R647H.
Identifiers: ClinVar variation 3439449 (VCV003439449.2).

ClinVar aggregate classification (germline): Uncertain significance. Review status: criteria provided, multiple submitters, no conflicts (2 of 4 stars). 2 submissions from 2 submitters: Uncertain significance (2). Last evaluated 2026-06-27.

Conditions:
SEMA3G-related disorder. Also called: SEMA3G-related condition.

gnomAD v4.1: 14 of 1,613,522 alleles (0.00087%); highest among the groups gnomAD compares: African/African-American, 0.004%; no homozygotes.

Submissions (2):

PreventionGenetics, part of Exact Sciences
Classification: Uncertain significance for SEMA3G-related condition. Last evaluated: 2026-06-27. Review status: criteria provided, single submitter. Criteria: ACMG Guidelines, 2015. Collection method: clinical testing. Allele origin: germline.
Comment: The SEMA3G c.1940G>A variant is predicted to result in the amino acid substitution p.Arg647His. To our knowledge, this variant has not been reported in the literature. This variant is reported in 0.0062% of alleles in individuals of African descent in gnomAD. At this time, the clinical significance of this variant is uncertain due to the absence of conclusive functional and genetic evidence.

Ambry Genetics
Classification: Uncertain significance. Last evaluated: 2024-08-14. Review status: criteria provided, single submitter. Criteria: Ambry Variant Classification Scheme 2023. Collection method: clinical testing. Allele origin: germline.